The following is an entry in ClinVar:

ClinVar aggregate classification (germline): Likely benign (1 of 4 stars; one submission).

Allele frequency attached by ClinVar (database versions not stated): gnomAD exomes 0.00001 and 0.00002; ExAC 0.00008.
gnomAD v4.1: 10 of 1,199,897 alleles (0.00083%); highest among the groups gnomAD compares: Middle Eastern, 0.024%; no homozygotes.

Submission:

GeneDx
Classification: Likely benign. Last evaluated: 2017-04-28. Review status: criteria provided, single submitter. Criteria: GeneDx Variant Classification (06012015). Collection method: clinical testing. Allele origin: germline. Affected: yes.
Comment: This variant is considered likely benign or benign based on one or more of the following criteria: it is a conservative change, it occurs at a poorly conserved position in the protein, it is predicted to be benign by multiple in silico algorithms, and/or has population frequency not consistent with disease.

NM_005120.3(MED12):c.129A>G (p.Gln43=)

Gene: MED12 (mediator complex subunit 12; plus strand). Cytogenetic location: Xq13.1.
Variant type: single nucleotide variant.
Coding change: c.129A>G on transcript NM_005120.3 (MANE Select); coding-DNA position 129, A replaced by G.
Protein change: p.Gln43=; no amino-acid change (glutamine 43 retained).
Molecular consequence: synonymous variant.
Genome position (GRCh38, 1-based): chrX:71,119,402, A>G. VCF-style: chrX-71119402-A-G. GRCh37 (hg19) VCF-style: chrX-70339252-A-G.
Identifiers: ClinVar variation 509268 (VCV000509268.1), dbSNP rs780634712, ClinGen allele CA10444000.